The following is an entry in ClinVar:

ClinVar aggregate classification (germline): Pathogenic (1 of 4 stars; one submission).

Allele frequency attached by ClinVar (database versions not stated): gnomAD exomes below 0.00001.

Submission:

Labcorp Genetics (formerly Invitae), Labcorp
Classification: Pathogenic. Last evaluated: 2023-09-24. Review status: criteria provided, single submitter. Criteria: Invitae Variant Classification Sherloc (09022015). Collection method: clinical testing. Allele origin: germline.
Comment: For these reasons, this variant has been classified as Pathogenic. This variant has not been reported in the literature in individuals affected with TSEN54-related conditions. This variant is present in population databases (no rsID available, gnomAD 0.007%). This sequence change creates a premature translational stop signal (p.Cys234Alafs*18) in the TSEN54 gene. It is expected to result in an absent or disrupted protein product. Loss-of-function variants in TSEN54 are known to be pathogenic (PMID: 18711368, 20952379).

Literature cited by the submitters: PubMed 18711368; PubMed 20952379.

NM_207346.3(TSEN54):c.696del (p.Cys234fs)

Gene: TSEN54 (tRNA splicing endonuclease subunit 54; plus strand). Cytogenetic location: 17q25.1.
Variant type: Deletion.
Coding change: c.696del on transcript NM_207346.3 (MANE Select); coding-DNA position 696, one base deleted (T; older notation c.696delT).
Protein change: p.Cys234fs; shifts the reading frame from cysteine 234.
Molecular consequence: frameshift variant.
Genome position (GRCh38, 1-based): chr17:75,521,777, T deleted. VCF-style (leftmost placement, unchanged base first): chr17-75521776-CT-C. GRCh37 (hg19) VCF-style: chr17-73517857-CT-C.
Other names: short protein forms C234fs.
Identifiers: ClinVar variation 2763079 (VCV002763079.3), dbSNP rs1568003197, ClinGen allele CA627594384.
Genomic context (GRCh38, chr17:75,521,776, plus strand): 5'-AGAAGGCCAAGGCCCTGGACAACTCCCTGCAACCCAAGAGTCTGGCAGCCTCCAGCCCAC[CT>C]CCCTGCAGCCAGCCCAGCCAATGCCCAGAGGAGAAACCCCAGGAGTCAAGCCCCATGAAG-3'